The following is an entry in ClinVar:

ClinVar aggregate classification (germline): Benign (0 of 4 stars; one submission).

Conditions:
HLA-B-related disorder. Also called: HLA-B-related condition.

Allele frequency attached by ClinVar (database versions not stated): ESP Exome Variant Server 0.59745; 1000 Genomes Project 30x 0.63554; 1000 Genomes Project 0.79912.

Submission:

PreventionGenetics, part of Exact Sciences
Classification: Benign for HLA-B-related condition. Last evaluated: 2020-12-17. Review status: no assertion criteria provided. Collection method: clinical testing. Allele origin: germline.
Comment: This variant is classified as benign based on ACMG/AMP sequence variant interpretation guidelines (Richards et al. 2015 PMID: 25741868, with internal and published modifications).

NM_005514.8(HLA-B):c.363C>G (p.Ser121Arg)

Gene: HLA-B (major histocompatibility complex, class I, B; minus strand). Cytogenetic location: 6p21.33.
Variant type: single nucleotide variant.
Coding change: c.363C>G on transcript NM_005514.8 (MANE Select); coding-DNA position 363, C replaced by G.
Protein change: p.Ser121Arg; replaces serine 121 with arginine.
Molecular consequence: missense variant.
Genome position (GRCh38, 1-based): chr6:31,356,423, G>C on the plus strand (C>G on the coding strand, the complement: HLA-B is on the minus strand). VCF-style: chr6-31356423-G-C. GRCh37 (hg19) VCF-style: chr6-31324200-G-C.
Other names: short protein forms S121R.
Identifiers: ClinVar variation 3059612 (VCV003059612.2), dbSNP rs1140412, ClinGen allele CA3711623.
Genomic context (GRCh38, chr6:31,356,423, plus strand): 5'-GGCGTACTGGTCATGCCCGCGGAGGAGGCGCCCGTCCGGCCCCACGTCGCAGCCGTACAT[G>C]CTCTGGAGGGTGTGAGACCCTGGCCCCGGCCCCGCGGTCAGCCCAGTCCCCCGAGCCCCG-3'
Protein context (NP_005505.2, residues 111-131): QSEAGSHTLQ[Ser121Arg]MYGCDVGPDG